The following is an entry in ClinVar:

NM_001292063.2(OTOG):c.5047dup (p.Gln1683fs)

Gene: OTOG (otogelin; plus strand). Cytogenetic location: 11p15.1.
Variant type: Duplication.
Coding change: c.5047dup on transcript NM_001292063.2 (MANE Select); coding-DNA position 5047, one base duplicated (C; older notation c.5047dupC).
Protein change: p.Gln1683fs; shifts the reading frame from glutamine 1683.
Molecular consequence: frameshift variant.
Genome position (GRCh38, 1-based): chr11:17,610,347, C duplicated; the last of 5 consecutive C bases (chr11:17,610,343-17,610,347); duplicating any one gives the same sequence. VCF-style (leftmost placement, unchanged base first): chr11-17610342-T-TC. GRCh37 (hg19) VCF-style: chr11-17631889-T-TC.
Other names: c.5083dup, p.Gln1695fs (NM_001277269.2); short protein forms Q1683fs, Q1695fs.
Identifiers: ClinVar variation 4880583 (VCV004880583.2).

ClinVar aggregate classification (germline): Likely pathogenic (1 of 4 stars; one submission).

Conditions:
Autosomal recessive nonsyndromic hearing loss 18B. Also called: Deafness, autosomal recessive 18b. Identifiers: Orphanet 90636, MedGen C3554163, MONDO:0013985, OMIM 614945.

Submission:

Dasa
Classification: Likely pathogenic for Autosomal recessive nonsyndromic hearing loss 18B. Last evaluated: 2026-03-20. Review status: criteria provided, single submitter. Criteria: DASA Assertion Criteria. Collection method: clinical testing. Allele origin: germline.
Comment: NM_001292063.2(OTOG):c.5047dup (p.Gln1683Profs*98) is a frameshift variant in OTOG predicted to alter the reading frame and introduce a premature termination codon and is predicted to result in an absent or altered protein product. Loss of function is an established disease mechanism for OTOG-associated disorders. Also, this variant is rare in population databases. Based on the currently available evidence, this variant is classified as likely pathogenic.